The following is an entry in ClinVar:

ClinVar aggregate classification (germline): Uncertain significance. Review status: criteria provided, multiple submitters, no conflicts (2 of 4 stars). 2 submissions from 2 submitters: Uncertain significance (2). Last evaluated 2022-11-18.

Conditions:
Hereditary cancer-predisposing syndrome. Also called: Neoplastic Syndromes, Hereditary; Tumor predisposition; Hereditary Cancer Syndrome; Hereditary neoplastic syndrome. Identifiers: Orphanet 140162, MedGen C0027672, MeSH D009386, MONDO:0015356.
Hereditary nonpolyposis colorectal neoplasms. Identifiers: MedGen C0009405, MeSH D003123.

Submissions (2):

Labcorp Genetics (formerly Invitae), Labcorp
Classification: Uncertain significance for Hereditary nonpolyposis colorectal neoplasms. Last evaluated: 2022-11-18. Review status: criteria provided, single submitter. Criteria: Invitae Variant Classification Sherloc (09022015). Collection method: clinical testing. Allele origin: germline.
Comment: This variant is not present in population databases (gnomAD no frequency). In summary, the available evidence is currently insufficient to determine the role of this variant in disease. Therefore, it has been classified as a Variant of Uncertain Significance. Algorithms developed to predict the effect of missense changes on protein structure and function (SIFT, PolyPhen-2, Align-GVGD) all suggest that this variant is likely to be disruptive. ClinVar contains an entry for this variant (Variation ID: 651578). This variant has not been reported in the literature in individuals affected with MSH6-related conditions. This sequence change replaces isoleucine, which is neutral and non-polar, with threonine, which is neutral and polar, at codon 1200 of the MSH6 protein (p.Ile1200Thr).

Ambry Genetics
Classification: Uncertain significance for Hereditary cancer-predisposing syndrome. Last evaluated: 2020-09-23. Review status: criteria provided, single submitter. Criteria: Ambry Variant Classification Scheme 2023. Collection method: clinical testing. Allele origin: germline.
Comment: The p.I1200T variant (also known as c.3599T>C), located in coding exon 7 of the MSH6 gene, results from a T to C substitution at nucleotide position 3599. The isoleucine at codon 1200 is replaced by threonine, an amino acid with similar properties. This amino acid position is highly conserved in available vertebrate species. In addition, this alteration is predicted to be deleterious by in silico analysis. Since supporting evidence is limited at this time, the clinical significance of this alteration remains unclear.

NM_000179.3(MSH6):c.3599T>C (p.Ile1200Thr)

Gene: MSH6 (mutS homolog 6; plus strand). Cytogenetic location: 2p16.3.
Variant type: single nucleotide variant.
Coding change: c.3599T>C on transcript NM_000179.3 (MANE Select); coding-DNA position 3599, T replaced by C.
Protein change: p.Ile1200Thr; replaces isoleucine 1200 with threonine.
Molecular consequence: missense variant.
Genome position (GRCh38, 1-based): chr2:47,805,660, T>C. VCF-style: chr2-47805660-T-C. GRCh37 (hg19) VCF-style: chr2-48032799-T-C.
Other names: c.3209T>C, p.Ile1070Thr (NM_001281492.2); c.2693T>C, p.Ile898Thr (NM_001281493.2, NM_001281494.2); short protein forms I1200T, I1070T, I898T.
Identifiers: ClinVar variation 651578 (VCV000651578.11), dbSNP rs1572741875, ClinGen allele CA346760550.